The following is an entry in ClinVar:

NC_000016.10:g.(?_68738291)_(68738417_?)del

Gene: CDH1 (cadherin 1; plus strand). Cytogenetic location: 16q22.1.
Variant type: Deletion.
Identifiers: ClinVar variation 583637 (VCV000583637.6).

ClinVar aggregate classification (germline): Pathogenic (1 of 4 stars; one submission).

Conditions:
Hereditary diffuse gastric adenocarcinoma (HDGC). Also called: DIFFUSE GASTRIC AND LOBULAR BREAST CANCER SYNDROME. Identifiers: Orphanet 26106, MedGen C1708349, MONDO:0007648, OMIM 137215.

Submission:

Labcorp Genetics (formerly Invitae), Labcorp
Classification: Pathogenic for Hereditary diffuse gastric adenocarcinoma. Last evaluated: 2018-03-12. Review status: criteria provided, single submitter. Criteria: Invitae Variant Classification Sherloc (09022015). Collection method: clinical testing. Allele origin: germline.
Comment: For these reasons, this variant has been classified as Pathogenic. This variant is an out-of-frame deletion of the genomic region encompassing exon 2 of the CDH1 gene. This is expected to create a premature translational stop signal and result in an absent or disrupted protein product. Deletion of exon 2 has not been reported in the literature in individuals with CDH1-related disease. Loss-of-function variants in CDH1 are known to be pathogenic (PMID: 15235021, 20373070).

Literature cited by the submitters: PubMed 15235021; PubMed 20373070.